The following is an entry in ClinVar:

NM_001999.4(FBN2):c.2249-15C>A

Gene: FBN2 (fibrillin 2; minus strand). Cytogenetic location: 5q23.3.
Variant type: single nucleotide variant.
Coding change: c.2249-15C>A on transcript NM_001999.4 (MANE Select); 15 bases into the intron before coding-DNA position 2249, C replaced by A.
Molecular consequence: intron variant.
Genome position (GRCh38, 1-based): chr5:128,366,445, G>T on the plus strand (C>A on the coding strand, the complement: FBN2 is on the minus strand). VCF-style: chr5-128366445-G-T. GRCh37 (hg19) VCF-style: chr5-127702138-G-T.
Identifiers: ClinVar variation 515816 (VCV000515816.10), dbSNP rs759195113, ClinGen allele CA3395600.

ClinVar aggregate classification (germline): Likely benign. Review status: criteria provided, multiple submitters, no conflicts (2 of 4 stars). 3 submissions from 3 submitters: Likely benign (3). Last evaluated 2026-01-31.

Conditions:
Congenital contractural arachnodactyly (CCA). Also called: BEALS SYNDROME; Beals-Hecht syndrome; Arthrogryposis, distal, type 9. Identifiers: Orphanet 115, MedGen C0220668, MONDO:0007363, OMIM 121050.

Allele frequency attached by ClinVar (database versions not stated): gnomAD 0.00001; TOPMed 0.00006; ExAC 0.00009; gnomAD exomes 0.00010.
gnomAD v4.1: 47 of 1,575,420 alleles (0.003%); highest among the groups gnomAD compares: Admixed American, 0.04%; no homozygotes.

Submissions (3):

Women's Health and Genetics/Laboratory Corporation of America, LabCorp
Classification: Likely benign. Last evaluated: 2026-01-31. Review status: criteria provided, single submitter. Criteria: LabCorp Variant Classification Summary - May 2015. Collection method: clinical testing. Allele origin: germline.

Labcorp Genetics (formerly Invitae), Labcorp
Classification: Likely benign for Congenital contractural arachnodactyly. Last evaluated: 2025-10-24. Review status: criteria provided, single submitter. Criteria: Invitae Variant Classification Sherloc (09022015). Collection method: clinical testing. Allele origin: germline.

GeneDx
Classification: Likely benign. Last evaluated: 2018-03-01. Review status: criteria provided, single submitter. Criteria: GeneDx Variant Classification (06012015). Collection method: clinical testing. Allele origin: germline. Affected: yes.
Comment: This variant is considered likely benign or benign based on one or more of the following criteria: it is a conservative change, it occurs at a poorly conserved position in the protein, it is predicted to be benign by multiple in silico algorithms, and/or has population frequency not consistent with disease.